The following is an entry in ClinVar:

NM_004972.4(JAK2):c.1279T>C (p.Cys427Arg)

Genes: INSL6 (insulin like 6; minus strand), JAK2 (Janus kinase 2; plus strand). Cytogenetic location: 9p24.1.
Variant type: single nucleotide variant.
Coding change: c.1279T>C on transcript NM_004972.4 (MANE Select); coding-DNA position 1279, T replaced by C.
Protein change: p.Cys427Arg; replaces cysteine 427 with arginine.
Molecular consequence: missense variant. On other transcripts: non-coding transcript variant (2).
Genome position (GRCh38, 1-based): chr9:5,066,742, T>C. VCF-style: chr9-5066742-T-C. GRCh37 (hg19) VCF-style: chr9-5066742-T-C.
Other names: c.1279T>C, p.Cys427Arg (NM_001322194.2, NM_001322195.2, NM_001322196.2); c.64T>C, p.Cys22Arg (NM_001322198.2, NM_001322199.2); c.832T>C, p.Cys278Arg (NM_001322204.2); short protein forms C22R, C278R, C427R.
Identifiers: ClinVar variation 3350891 (VCV003350891.4).

ClinVar aggregate classification (germline): Uncertain significance. Review status: criteria provided, multiple submitters, no conflicts (2 of 4 stars). 3 submissions from 3 submitters: Uncertain significance (2). 1 of the submissions does not count toward it. Last evaluated 2025-10-07.

Conditions:
JAK2-related disorder. Also called: JAK2-related condition.
Inborn genetic diseases. Identifiers: MedGen C0950123, MeSH D030342.

gnomAD v4.1: 6 of 1,606,280 alleles (0.00037%); highest among the groups gnomAD compares: Non-Finnish European, 0.00051%; no homozygotes.

Submissions (3):

Ambry Genetics
Classification: Uncertain significance for Inborn genetic diseases. Last evaluated: 2025-10-07. Review status: criteria provided, single submitter. Criteria: Ambry Variant Classification Scheme 2023. Collection method: clinical testing. Allele origin: germline.

Labcorp Genetics (formerly Invitae), Labcorp
Classification: Uncertain significance. Last evaluated: 2025-06-29. Review status: criteria provided, single submitter. Criteria: Invitae Variant Classification Sherloc (09022015). Collection method: clinical testing. Allele origin: germline.
Comment: This sequence change replaces cysteine, which is neutral and slightly polar, with arginine, which is basic and polar, at codon 427 of the JAK2 protein (p.Cys427Arg). This variant is not present in population databases (gnomAD no frequency). This variant has not been reported in the literature in individuals affected with JAK2-related conditions. ClinVar contains an entry for this variant (Variation ID: 3350891). Invitae Evidence Modeling of protein sequence and biophysical properties (such as structural, functional, and spatial information, amino acid conservation, physicochemical variation, residue mobility, and thermodynamic stability) indicates that this missense variant is not expected to disrupt JAK2 protein function with a negative predictive value of 80%. In summary, the available evidence is currently insufficient to determine the role of this variant in disease. Therefore, it has been classified as a Variant of Uncertain Significance.

PreventionGenetics, part of Exact Sciences
Classification: Uncertain significance for JAK2-related condition. Last evaluated: 2024-03-05. Review status: no assertion criteria provided. Collection method: clinical testing. Allele origin: germline. Not counted in ClinVar's aggregate classification.
Comment: The JAK2 c.1279T>C variant is predicted to result in the amino acid substitution p.Cys427Arg. To our knowledge, this variant has not been reported in the literature or in a large population database, indicating this variant is rare. At this time, the clinical significance of this variant is uncertain due to the absence of conclusive functional and genetic evidence.